The following is an entry in ClinVar:

ClinVar aggregate classification (germline): Uncertain significance (1 of 4 stars; one submission).

Conditions:
Familial acute necrotizing encephalopathy (IIAE3). Also called: ENCEPHALOPATHY, ACUTE, INFECTION-INDUCED, SUSCEPTIBILITY TO, 3; Susceptibility to Acute Necrotizing Encephalopathy 1. Identifiers: Orphanet 88619, MedGen C2675556, MONDO:0011953, OMIM 608033.

Allele frequency attached by ClinVar (database versions not stated): gnomAD exomes 0.00001 and 0.00003.
gnomAD v4.1: 36 of 1,401,000 alleles (0.0026%); highest among the groups gnomAD compares: South Asian, 0.0069%; no homozygotes.

Submission:

Labcorp Genetics (formerly Invitae), Labcorp
Classification: Uncertain significance for Familial acute necrotizing encephalopathy. Last evaluated: 2020-02-12. Review status: criteria provided, single submitter. Criteria: Invitae Variant Classification Sherloc (09022015). Collection method: clinical testing. Allele origin: germline.
Comment: This variant has not been reported in the literature in individuals with RANBP2-related conditions. This variant is not present in population databases (ExAC no frequency). In summary, the available evidence is currently insufficient to determine the role of this variant in disease. Therefore, it has been classified as a Variant of Uncertain Significance. Algorithms developed to predict the effect of missense changes on protein structure and function are either unavailable or do not agree on the potential impact of this missense change (SIFT: "Deleterious"; PolyPhen-2: "Benign"; Align-GVGD: "Class C0"). This sequence change replaces glycine with glutamic acid at codon 1608 of the RANBP2 protein (p.Gly1608Glu). The glycine residue is weakly conserved and there is a moderate physicochemical difference between glycine and glutamic acid.

NM_006267.5(RANBP2):c.4823G>A (p.Gly1608Glu)

Gene: RANBP2 (RAN binding protein 2; plus strand). Cytogenetic location: 2q13.
Variant type: single nucleotide variant.
Coding change: c.4823G>A on transcript NM_006267.5 (MANE Select); coding-DNA position 4823, G replaced by A.
Protein change: p.Gly1608Glu; replaces glycine 1608 with glutamic acid.
Molecular consequence: missense variant.
Genome position (GRCh38, 1-based): chr2:108,765,362, G>A. VCF-style: chr2-108765362-G-A. GRCh37 (hg19) VCF-style: chr2-109381818-G-A.
Other names: short protein forms G1608E.
Identifiers: ClinVar variation 1057470 (VCV001057470.10), dbSNP rs1474762664, ClinGen allele CA348068755.